The following is an entry in ClinVar:

ClinVar aggregate classification (germline): Uncertain significance (1 of 4 stars; one submission).

Conditions:
Hereditary spastic paraplegia 3A (SPG3A). Also called: Spastic paraplegia 3A, autosomal dominant; SPASTIC PARAPLEGIA 3, AUTOSOMAL DOMINANT; FAMILIAL SPASTIC PARAPLEGIA, AUTOSOMAL DOMINANT, 1; SPG3; STRUMPELL DISEASE; Spastic Paraplegia 3A. Identifiers: Orphanet 100984, MedGen C2931355, MONDO:0008437, OMIM 182600.

Allele frequency attached by ClinVar (database versions not stated): TOPMed 0.00001; ExAC 0.00002.
gnomAD v4.1: 3 of 1,613,610 alleles (0.00019%); highest among the groups gnomAD compares: Admixed American, 0.005%; no homozygotes.

Submission:

Labcorp Genetics (formerly Invitae), Labcorp
Classification: Uncertain significance for Hereditary spastic paraplegia 3A. Last evaluated: 2024-01-23. Review status: criteria provided, single submitter. Criteria: Invitae Variant Classification Sherloc (09022015). Collection method: clinical testing. Allele origin: germline.
Comment: This sequence change falls in intron 1 of the ATL1 gene. It does not directly change the encoded amino acid sequence of the ATL1 protein. It affects a nucleotide within the consensus splice site. This variant is present in population databases (rs766408400, gnomAD 0.01%). This variant has not been reported in the literature in individuals affected with ATL1-related conditions. Variants that disrupt the consensus splice site are a relatively common cause of aberrant splicing (PMID: 17576681, 9536098). Algorithms developed to predict the effect of sequence changes on RNA splicing suggest that this variant is not likely to affect RNA splicing. In summary, the available evidence is currently insufficient to determine the role of this variant in disease. Therefore, it has been classified as a Variant of Uncertain Significance.

Literature cited by the submitters: PubMed 17576681; PubMed 9536098.

NM_015915.5(ATL1):c.34+6T>G

Genes: ATL1 (atlastin GTPase 1; plus strand), MAP4K5 (mitogen-activated protein kinase kinase kinase kinase 5; minus strand). Cytogenetic location: 14q22.1.
Variant type: single nucleotide variant.
Coding change: c.34+6T>G on transcript NM_015915.5 (MANE Select); 6 bases into the intron after coding-DNA position 34, T replaced by G.
Molecular consequence: intron variant.
Genome position (GRCh38, 1-based): chr14:50,560,305, T>G. VCF-style: chr14-50560305-T-G. GRCh37 (hg19) VCF-style: chr14-51027023-T-G.
Other names: c.34+6T>G (NM_001127713.1, NM_181598.4).
Identifiers: ClinVar variation 2903710 (VCV002903710.3), dbSNP rs766408400, ClinGen allele CA7180151.